The following is an entry in ClinVar:

NM_032043.3(BRIP1):c.1158del (p.Glu387fs)

Gene: BRIP1 (BRCA1 interacting DNA helicase 1; minus strand). Cytogenetic location: 17q23.2.
Variant type: Deletion.
Coding change: c.1158del on transcript NM_032043.3 (MANE Select); coding-DNA position 1158, one base deleted (A; older notation c.1158delA).
Protein change: p.Glu387fs; shifts the reading frame from glutamic acid 387.
Molecular consequence: frameshift variant.
Genome position (GRCh38, 1-based): chr17:61,799,282, T deleted on the plus strand (A on the coding strand, the reverse complement: BRIP1 is on the minus strand); the first of 3 consecutive T bases (chr17:61,799,282-61,799,284); deleting any one gives the same sequence. VCF-style (leftmost placement, unchanged base first): chr17-61799281-CT-C. GRCh37 (hg19) VCF-style: chr17-59876642-CT-C.
Other names: c.1158delA (NM_032043.2); short protein forms E387fs.
Identifiers: ClinVar variation 1452725 (VCV001452725.9), dbSNP rs2145309797, ClinGen allele CA2573154324.
Genomic context (GRCh38, chr17:61,799,281, plus strand): 5'-TTGCTGATTCCCGAGCACAGTCCTCGATGTTATGAGCTTCATCTAAAATGACAACCTGTT[CT>C]TTCAGATTTAAATCCATCTATAAGATAAAAGAATTTTCTTGTAAAACATTTGGCAAAATA-3'

ClinVar aggregate classification (germline): Pathogenic. Review status: criteria provided, multiple submitters, no conflicts (2 of 4 stars). 2 submissions from 2 submitters: Pathogenic (2). Last evaluated 2024-01-10.

Conditions:
Familial cancer of breast. Also called: hereditary breast carcinoma; BREAST CANCER, FAMILIAL; Hereditary breast cancer. Identifiers: Orphanet 227535, MedGen C0346153, MONDO:0016419, OMIM 114480. Disease mechanism: loss of function.
Fanconi anemia complementation group J. Also called: BRIP1-Related Fanconi Anemia. Identifiers: Orphanet 84, MedGen C1836860, MONDO:0012187, OMIM 609054.
Hereditary cancer-predisposing syndrome. Also called: Hereditary Cancer Syndrome; Hereditary neoplastic syndrome; Tumor predisposition; Neoplastic Syndromes, Hereditary. Identifiers: Orphanet 140162, MedGen C0027672, MeSH D009386, MONDO:0015356.

Submissions (2):

Ambry Genetics
Classification: Pathogenic for Hereditary cancer-predisposing syndrome. Last evaluated: 2024-01-10. Review status: criteria provided, single submitter. Criteria: Ambry Variant Classification Scheme 2023. Collection method: clinical testing. Allele origin: germline.
Comment: The c.1158delA pathogenic mutation, located in coding exon 8 of the BRIP1 gene, results from a deletion of one nucleotide at nucleotide position 1158, causing a translational frameshift with a predicted alternate stop codon (p.E387Nfs*6). This alteration is expected to result in loss of function by premature protein truncation or nonsense-mediated mRNA decay. As such, this alteration is interpreted as a disease-causing mutation.

Labcorp Genetics (formerly Invitae), Labcorp
Classification: Pathogenic for Familial cancer of breast; Fanconi anemia complementation group J. Last evaluated: 2023-05-11. Review status: criteria provided, single submitter. Criteria: Invitae Variant Classification Sherloc (09022015). Collection method: clinical testing. Allele origin: germline.
Comment: For these reasons, this variant has been classified as Pathogenic. ClinVar contains an entry for this variant (Variation ID: 1452725). This variant has not been reported in the literature in individuals affected with BRIP1-related conditions. This variant is not present in population databases (gnomAD no frequency). This sequence change creates a premature translational stop signal (p.Glu387Asnfs*6) in the BRIP1 gene. It is expected to result in an absent or disrupted protein product. Loss-of-function variants in BRIP1 are known to be pathogenic (PMID: 16116423, 17033622, 21964575).

Literature cited by the submitters: PubMed 16116423 (cited by Labcorp Genetics (formerly Invitae), Labcorp); PubMed 17033622 (cited by Labcorp Genetics (formerly Invitae), Labcorp); PubMed 21964575 (cited by Labcorp Genetics (formerly Invitae), Labcorp).